The following is an entry in ClinVar:

NM_001365536.1(SCN9A):c.4795A>G (p.Ile1599Val)

Genes: SCN1A-AS1 (SCN1A and SCN9A antisense RNA 1; plus strand), SCN9A (sodium voltage-gated channel alpha subunit 9; minus strand). Cytogenetic location: 2q24.3.
Variant type: single nucleotide variant.
Coding change: c.4795A>G on transcript NM_001365536.1 (MANE Select); coding-DNA position 4795, A replaced by G.
Protein change: p.Ile1599Val; replaces isoleucine 1599 with valine.
Molecular consequence: missense variant.
Genome position (GRCh38, 1-based): chr2:166,199,844, T>C on the plus strand (A>G on the coding strand, the complement: SCN9A is on the minus strand). VCF-style: chr2-166199844-T-C. GRCh37 (hg19) VCF-style: chr2-167056354-T-C.
Other names: c.4762A>G, p.Ile1588Val (NM_002977.4); short protein forms I1588V, I1599V.
Identifiers: ClinVar variation 934427 (VCV000934427.10), dbSNP rs1055143422, ClinGen allele CA59784665.

ClinVar aggregate classification (germline): Uncertain significance (1 of 4 stars; one submission).

Conditions:
Generalized epilepsy with febrile seizures plus, type 7 (GEFSP7). Also called: GEFS+, TYPE 7. Identifiers: Orphanet 36387, MedGen C2751778, MONDO:0013470, OMIM 613863.
Neuropathy, hereditary sensory and autonomic, type 2A (HSAN2A). Also called: ACROOSTEOLYSIS, GIACCAI TYPE; ACROOSTEOLYSIS, NEUROGENIC; HSAN IIA; WNK1-Related HSAN2 (HSAN2A); MORVAN DISEASE; NEUROPATHY, CONGENITAL SENSORY. Identifiers: Orphanet 970, MedGen C2752089, MONDO:0024309, OMIM 201300.

Allele frequency attached by ClinVar (database versions not stated): TOPMed 0.00002.

Submission:

Labcorp Genetics (formerly Invitae), Labcorp
Classification: Uncertain significance for Neuropathy, hereditary sensory and autonomic, type 2A; Generalized epilepsy with febrile seizures plus, type 7. Last evaluated: 2025-05-22. Review status: criteria provided, single submitter. Criteria: Invitae Variant Classification Sherloc (09022015). Collection method: clinical testing. Allele origin: germline.
Comment: This sequence change replaces isoleucine, which is neutral and non-polar, with valine, which is neutral and non-polar, at codon 1588 of the SCN9A protein (p.Ile1588Val). This variant is not present in population databases (gnomAD no frequency). This variant has not been reported in the literature in individuals affected with SCN9A-related conditions. ClinVar contains an entry for this variant (Variation ID: 934427). Invitae Evidence Modeling of protein sequence and biophysical properties (such as structural, functional, and spatial information, amino acid conservation, physicochemical variation, residue mobility, and thermodynamic stability) indicates that this missense variant is not expected to disrupt SCN9A protein function with a negative predictive value of 95%. In summary, the available evidence is currently insufficient to determine the role of this variant in disease. Therefore, it has been classified as a Variant of Uncertain Significance.